The following is an entry in ClinVar:

NM_004304.5(ALK):c.2132G>A (p.Ser711Asn)

Gene: ALK (ALK receptor tyrosine kinase; minus strand). Cytogenetic location: 2p23.2.
Variant type: single nucleotide variant.
Coding change: c.2132G>A on transcript NM_004304.5 (MANE Select); coding-DNA position 2132, G replaced by A.
Protein change: p.Ser711Asn; replaces serine 711 with asparagine.
Molecular consequence: missense variant.
Genome position (GRCh38, 1-based): chr2:29,251,177, C>T on the plus strand (G>A on the coding strand, the complement: ALK is on the minus strand). VCF-style: chr2-29251177-C-T. GRCh37 (hg19) VCF-style: chr2-29474043-C-T.
Other names: c.2132G>A (NM_004304.4); short protein forms S711N.
Identifiers: ClinVar variation 1981297 (VCV001981297.5), dbSNP rs1664806936, ClinGen allele CA346476931.
Genomic context (GRCh38, chr2:29,251,177, plus strand): 5'-GTGGCTGGCACCTTCCAGATCTGGATGCCTTTCAGGGGGCCCTCGCTCCCCACCTCCACG[C>T]TCAGGTTGGAGTTCTGGTAGGCGTTGTTGCACTGTGCCTGGGTGGGGCCATGGGGCCCGC-3'
Protein context (NP_004295.2, residues 701-721): CNNAYQNSNL[Ser711Asn]VEVGSEGPLK

ClinVar aggregate classification (germline): Uncertain significance. Review status: criteria provided, multiple submitters, no conflicts (2 of 4 stars). 2 submissions from 2 submitters: Uncertain significance (2). Last evaluated 2024-12-07.

Conditions:
Hereditary cancer-predisposing syndrome. Also called: Hereditary Cancer Syndrome; Neoplastic Syndromes, Hereditary; Hereditary neoplastic syndrome; Tumor predisposition. Identifiers: Orphanet 140162, MedGen C0027672, MeSH D009386, MONDO:0015356.
Neuroblastoma, susceptibility to, 3. Also called: ALK-Related Neuroblastic Tumor Susceptibility. Identifiers: Orphanet 635, MedGen C2751681, MONDO:0013083, OMIM 613014.

Submissions (2):

Ambry Genetics
Classification: Uncertain significance for Hereditary cancer-predisposing syndrome. Last evaluated: 2024-12-07. Review status: criteria provided, single submitter. Criteria: Ambry Variant Classification Scheme 2023. Collection method: clinical testing. Allele origin: germline.
Comment: The p.S711N variant (also known as c.2132G>A), located in coding exon 12 of the ALK gene, results from a G to A substitution at nucleotide position 2132. The serine at codon 711 is replaced by asparagine, an amino acid with highly similar properties. This amino acid position is conserved. In addition, this alteration is predicted to be tolerated by in silico analysis. Based on the available evidence, the clinical significance of this variant remains unclear.

Labcorp Genetics (formerly Invitae), Labcorp
Classification: Uncertain significance for Neuroblastoma, susceptibility to, 3. Last evaluated: 2022-03-09. Review status: criteria provided, single submitter. Criteria: Invitae Variant Classification Sherloc (09022015). Collection method: clinical testing. Allele origin: germline.
Comment: This variant has not been reported in the literature in individuals affected with ALK-related conditions. In summary, the available evidence is currently insufficient to determine the role of this variant in disease. Therefore, it has been classified as a Variant of Uncertain Significance. Algorithms developed to predict the effect of missense changes on protein structure and function are either unavailable or do not agree on the potential impact of this missense change (SIFT: "Deleterious"; PolyPhen-2: "Possibly Damaging"; Align-GVGD: "Class C0"). This variant is not present in population databases (gnomAD no frequency). This sequence change replaces serine, which is neutral and polar, with asparagine, which is neutral and polar, at codon 711 of the ALK protein (p.Ser711Asn).